The following is an entry in ClinVar:

NM_015179.4(RRP12):c.3172GAG[10] (p.Glu1064_Pro1065insGluGluGlu)

Gene: RRP12 (ribosomal RNA processing 12 homolog; minus strand). Cytogenetic location: 10q24.1.
Variant type: Microsatellite.
Coding change: c.3172GAG[10] on transcript NM_015179.4 (MANE Select); ten copies in a row of the 3-base unit GAG starting at c.3172; the reference has seven copies in a row; three copies, 9 bases duplicated; also written c.3184_3192dup.
Protein change: p.Glu1064_Pro1065insGluGluGlu.
Molecular consequence: inframe insertion.
Genome position (GRCh38, 1-based): chr10:97,366,765-97,366,773, CTCCTCCTC duplicated on the plus strand (GAGGAGGAG on the coding strand, the reverse complement: RRP12 is on the minus strand); duplicating any 9 consecutive bases within chr10:97,366,765-97,366,785 gives the same sequence; the position shown is the placement nearest the transcript's 3' end. VCF-style (leftmost placement, unchanged base first): chr10-97366764-G-GCTCCTCCTC. GRCh37 (hg19) VCF-style: chr10-99126521-G-GCTCCTCCTC.
Other names: c.3184_3192dup (NM_015179.4); c.2989GAG[10], p.Glu1003_Pro1004insGluGluGlu (NM_001145114.1); c.2872GAG[10], p.Glu964_Pro965insGluGluGlu (NM_001284337.2).
Identifiers: ClinVar variation 5019828 (VCV005019828.2).
Genomic context (GRCh38, chr10:97,366,764, plus strand): 5'-GGGGGACACCGGGTCCCATGGCCCTAACATGGTCTCACCTGTCACCTTTGCCCTGGGCGG[G>GCTCCTCCTC]CTCCTCCTCCTCCTCCTCCTCTTCTTCCTCCTCCACGGCAGCCTGGCTCAGGGCTCGGTG-3'

ClinVar aggregate classification (germline): Uncertain significance (1 of 4 stars; one submission).

Conditions:
Basal ganglia calcification, idiopathic, 11, autosomal recessive. Also called: PRIMARY FAMILIAL BRAIN CALCIFICATION 11, AUTOSOMAL RECESSIVE. Identifiers: MedGen C6065958, MONDO:0980939, OMIM 621452.

Submission:

Juno Genomics, Hangzhou Juno Genomics, Inc
Classification: Uncertain significance for Basal ganglia calcification, idiopathic, 11, autosomal recessive. Review status: criteria provided, single submitter. Criteria: ACMG Guidelines, 2015. Collection method: clinical testing. Allele origin: germline.
Comment: Absent from controls (or at extremely low frequency if recessive) in Genome Aggregation Database.;Protein length changes due to in-frame deletions/insertions in a non-repeat region or stop-loss variants.